The following is an entry in ClinVar:

ClinVar aggregate classification (germline): Uncertain significance (1 of 4 stars; one submission).

Conditions:
SCAPER-related disorder. Also called: SCAPER-related condition.

Submission:

PreventionGenetics, part of Exact Sciences
Classification: Uncertain significance for SCAPER-related condition. Last evaluated: 2025-05-30. Review status: criteria provided, single submitter. Criteria: ACMG Guidelines, 2015. Collection method: clinical testing. Allele origin: germline.
Comment: The SCAPER c.2171G>A variant is predicted to result in the amino acid substitution p.Arg724Gln. To our knowledge, this variant has not been reported in the literature or in a large population database (gnomAD), indicating this variant is rare. At this time, the clinical significance of this variant is uncertain due to the absence of conclusive functional and genetic evidence.

NM_020843.4(SCAPER):c.2153G>A (p.Arg718Gln)

Gene: SCAPER (S-phase cyclin A associated protein in the ER; minus strand). Cytogenetic location: 15q24.3.
Variant type: single nucleotide variant.
Coding change: c.2153G>A on transcript NM_020843.4 (MANE Select); coding-DNA position 2153, G replaced by A.
Protein change: p.Arg718Gln; replaces arginine 718 with glutamine.
Molecular consequence: missense variant. On other transcripts: non-coding transcript variant (1).
Genome position (GRCh38, 1-based): chr15:76,728,607, C>T on the plus strand (G>A on the coding strand, the complement: SCAPER is on the minus strand). VCF-style: chr15-76728607-C-T. GRCh37 (hg19) VCF-style: chr15-77020948-C-T.
Other names: c.1415G>A, p.Arg472Gln (NM_001145923.2); c.2171G>A, p.Arg724Gln (NM_001353009.2); c.1751G>A, p.Arg584Gln (NM_001353010.2, NM_001353012.2); c.1769G>A, p.Arg590Gln (NM_001353011.2); short protein forms R584Q, R472Q, R590Q, R718Q, R724Q.
Identifiers: ClinVar variation 5000702 (VCV005000702.1).